The following is an entry in ClinVar:

ClinVar aggregate classification (germline): Pathogenic. Review status: criteria provided, multiple submitters, no conflicts (2 of 4 stars). 2 submissions from 2 submitters: Pathogenic (2). Last evaluated 2026-04-01.

Conditions:
Hereditary cancer-predisposing syndrome. Also called: Neoplastic Syndromes, Hereditary; Tumor predisposition; Hereditary Cancer Syndrome; Hereditary neoplastic syndrome. Identifiers: Orphanet 140162, MedGen C0027672, MeSH D009386, MONDO:0015356.

Submissions (2):

CeGaT Center for Human Genetics Tuebingen
Classification: Pathogenic. Last evaluated: 2026-04-01. Review status: criteria provided, single submitter. Criteria: CeGaT Center For Human Genetics Tuebingen Variant Classification Criteria Version 2. Collection method: clinical testing. Allele origin: germline. Affected: yes. Observed: 1 variant allele.
Comment: ATM: PVS1, PM2

Ambry Genetics
Classification: Pathogenic for Hereditary cancer-predisposing syndrome. Last evaluated: 2024-10-24. Review status: criteria provided, single submitter. Criteria: Ambry Variant Classification Scheme 2023. Collection method: clinical testing. Allele origin: germline.
Comment: The c.828dupA pathogenic mutation, located in coding exon 6 of the ATM gene, results from a duplication of A at nucleotide position 828, causing a translational frameshift with a predicted alternate stop codon (p.E277Rfs*5). This variant is considered to be rare based on population cohorts in the Genome Aggregation Database (gnomAD). This alteration is expected to result in loss of function by premature protein truncation or nonsense-mediated mRNA decay. As such, this alteration is interpreted as a disease-causing mutation.

NM_000051.4(ATM):c.828dup (p.Glu277fs)

Gene: ATM (ATM serine/threonine kinase; plus strand). Cytogenetic location: 11q22.3.
Variant type: Duplication.
Coding change: c.828dup on transcript NM_000051.4 (MANE Select); coding-DNA position 828, one base duplicated (A; older notation c.828dupA).
Protein change: p.Glu277fs; shifts the reading frame from glutamic acid 277.
Molecular consequence: frameshift variant.
Genome position (GRCh38, 1-based): chr11:108,244,953, A duplicated; the last of 4 consecutive A bases (chr11:108,244,950-108,244,953); duplicating any one gives the same sequence. VCF-style (leftmost placement, unchanged base first): chr11-108244949-T-TA. GRCh37 (hg19) VCF-style: chr11-108115676-T-TA.
Other names: c.828dupA (NM_000051.3); c.828dup, p.Glu277fs (NM_001351834.2); short protein forms E277fs.
Identifiers: ClinVar variation 3451859 (VCV003451859.3).